The following is an entry in ClinVar:

ClinVar aggregate classification (germline): Uncertain significance (1 of 4 stars; one submission).

Submission:

Labcorp Genetics (formerly Invitae), Labcorp
Classification: Uncertain significance. Last evaluated: 2020-08-19. Review status: criteria provided, single submitter. Criteria: Invitae Variant Classification Sherloc (09022015). Collection method: clinical testing. Allele origin: germline.
Comment: In summary, the available evidence is currently insufficient to determine the role of this variant in disease. Therefore, it has been classified as a Variant of Uncertain Significance. This variant has not been reported in the literature in individuals with POLE-related conditions. This variant results in a copy number gain of the genomic region encompassing exon(s) 42-49 of the POLE gene. The 5' boundary is likely confined to intron 41. The 3' end of this event is unknown as it extends beyond the assayed region for this gene and therefore may encompass additional genes. As the precise location of this event is unknown, it may be in tandem or it may be located elsewhere in the genome.

NC_000012.11:g.(?_133201283)_(133212620_?)dup

Gene: POLE (DNA polymerase epsilon, catalytic subunit; minus strand). Cytogenetic location: 12q24.33.
Variant type: Duplication.
Identifiers: ClinVar variation 1011309 (VCV001011309.5).